The following is an entry in ClinVar:

ClinVar aggregate classification (germline): Benign. Review status: criteria provided, multiple submitters, no conflicts (2 of 4 stars). 3 submissions from 3 submitters: Benign (3). Last evaluated 2026-02-03.

Allele frequency attached by ClinVar (database versions not stated): 1000 Genomes Project 0.04393; 1000 Genomes Project 30x 0.07386; TOPMed 0.11884; ESP Exome Variant Server 0.12610; gnomAD 0.12944 and 0.13266; ExAC 0.13718; gnomAD exomes 0.13764.
gnomAD v4.1: 260,076 of 1,579,038 alleles (16%); highest among the groups gnomAD compares: Non-Finnish European, 19%; 23,808 homozygotes.

Submissions (3):

Labcorp Genetics (formerly Invitae), Labcorp
Classification: Benign. Last evaluated: 2026-02-03. Review status: criteria provided, single submitter. Criteria: Invitae Variant Classification Sherloc (09022015). Collection method: clinical testing. Allele origin: germline.

Mayo Clinic Laboratories, Mayo Clinic
Classification: Benign. Last evaluated: 2022-10-27. Review status: criteria provided, single submitter. Criteria: ACMG Guidelines, 2015. Collection method: clinical testing. Allele origin: germline. Observed: 289 variant alleles.

GeneDx
Classification: Benign. Last evaluated: 2016-01-24. Review status: criteria provided, single submitter. Criteria: GeneDx Variant Classification (06012015). Collection method: clinical testing. Allele origin: germline. Affected: yes.
Comment: This variant is considered likely benign or benign based on one or more of the following criteria: it is a conservative change, it occurs at a poorly conserved position in the protein, it is predicted to be benign by multiple in silico algorithms, and/or has population frequency not consistent with disease.

NM_002887.4(RARS1):c.1190T>A (p.Phe397Tyr)

Gene: RARS1 (arginyl-tRNA synthetase 1; plus strand). Cytogenetic location: 5q34.
Variant type: single nucleotide variant.
Coding change: c.1190T>A on transcript NM_002887.4 (MANE Select); coding-DNA position 1190, T replaced by A.
Protein change: p.Phe397Tyr; replaces phenylalanine 397 with tyrosine.
Molecular consequence: missense variant.
Genome position (GRCh38, 1-based): chr5:168,506,153, T>A. VCF-style: chr5-168506153-T-A. GRCh37 (hg19) VCF-style: chr5-167933158-T-A.
Other names: p.Phe397Tyr; short protein forms F397Y.
Identifiers: ClinVar variation 380055 (VCV000380055.11), dbSNP rs2305734, ClinGen allele CA3549834.